The following is an entry in ClinVar:

NM_003482.4(KMT2D):c.438G>A (p.Ser146=)

Gene: KMT2D (lysine methyltransferase 2D; minus strand). Cytogenetic location: 12q13.12.
Variant type: single nucleotide variant.
Coding change: c.438G>A on transcript NM_003482.4 (MANE Select); coding-DNA position 438, G replaced by A.
Protein change: p.Ser146=; no amino-acid change (serine 146 retained).
Molecular consequence: synonymous variant.
Genome position (GRCh38, 1-based): chr12:49,054,379, C>T on the plus strand (G>A on the coding strand, the complement: KMT2D is on the minus strand). VCF-style: chr12-49054379-C-T. GRCh37 (hg19) VCF-style: chr12-49448162-C-T.
Identifiers: ClinVar variation 3355451 (VCV003355451.1).

ClinVar aggregate classification (germline): Likely benign (0 of 4 stars; one submission).

Conditions:
KMT2D-related disorder. Also called: KMT2D-Related Disorders.

gnomAD v4.1: 4 of 1,595,356 alleles (0.00025%); highest among the groups gnomAD compares: South Asian, 0.0011%; no homozygotes.

Submission:

PreventionGenetics, part of Exact Sciences
Classification: Likely benign for KMT2D-related condition. Last evaluated: 2024-07-05. Review status: no assertion criteria provided. Collection method: clinical testing. Allele origin: germline.
Comment: This variant is classified as likely benign based on ACMG/AMP sequence variant interpretation guidelines (Richards et al. 2015 PMID: 25741868, with internal and published modifications).